The following is an entry in ClinVar:

NM_001127208.3(TET2):c.1663C>T (p.Pro555Ser)

Genes: TET2 (tet methylcytosine dioxygenase 2; plus strand), TET2-AS1 (TET2 antisense RNA 1; minus strand). Cytogenetic location: 4q24.
Variant type: single nucleotide variant.
Coding change: c.1663C>T on transcript NM_001127208.3 (MANE Select); coding-DNA position 1663, C replaced by T.
Protein change: p.Pro555Ser; replaces proline 555 with serine.
Molecular consequence: missense variant.
Genome position (GRCh38, 1-based): chr4:105,235,605, C>T. VCF-style: chr4-105235605-C-T. GRCh37 (hg19) VCF-style: chr4-106156762-C-T.
Other names: c.1663C>T, p.Pro555Ser (NM_017628.4); short protein forms P555S.
Identifiers: ClinVar variation 3806057 (VCV003806057.1).
Genomic context (GRCh38, chr4:105,235,605, plus strand): 5'-AACAAAGAGCAAGAGATTCTGAAGGGTCGAGACAAGGAGCAAACACGAGATCTTGTGCCC[C>T]CAACACAGCACTATCTGAAACCAGGATGGATTGAATTGAAGGCCCCTCGTTTTCACCAAG-3'
Protein context (NP_001120680.1, residues 545-565): DKEQTRDLVP[Pro555Ser]TQHYLKPGWI

ClinVar aggregate classification (germline): Uncertain significance (1 of 4 stars; one submission).

gnomAD v4.1: 1 of 1,614,122 alleles (0.000062%); highest among the groups gnomAD compares: Admixed American, 0.0017%; no homozygotes.

Submission:

Ambry Genetics
Classification: Uncertain significance. Last evaluated: 2025-02-14. Review status: criteria provided, single submitter. Criteria: Ambry Variant Classification Scheme 2023. Collection method: clinical testing. Allele origin: germline.
Comment: The p.P555S variant (also known as c.1663C>T), located in coding exon 1 of the TET2 gene, results from a C to T substitution at nucleotide position 1663. The proline at codon 555 is replaced by serine, an amino acid with similar properties. This amino acid position is conserved. In addition, this alteration is predicted to be tolerated by in silico analysis. Based on the available evidence, the clinical significance of this variant remains unclear.